The following is an entry in ClinVar:

ClinVar aggregate classification (germline): Uncertain significance. Review status: criteria provided, multiple submitters, no conflicts (2 of 4 stars). 3 submissions from 3 submitters: Uncertain significance (3). Last evaluated 2025-03-13.

Conditions:
Inborn genetic diseases. Identifiers: MedGen C0950123, MeSH D030342.

Allele frequency attached by ClinVar (database versions not stated): gnomAD 0.00001; TOPMed 0.00001; ExAC 0.00009.
gnomAD v4.1: 28 of 1,549,464 alleles (0.0018%); highest among the groups gnomAD compares: South Asian, 0.025%; no homozygotes.

Submissions (3):

Labcorp Genetics (formerly Invitae), Labcorp
Classification: Uncertain significance. Last evaluated: 2025-03-13. Review status: criteria provided, single submitter. Criteria: Invitae Variant Classification Sherloc (09022015). Collection method: clinical testing. Allele origin: germline.
Comment: This sequence change replaces valine, which is neutral and non-polar, with methionine, which is neutral and non-polar, at codon 338 of the PROM1 protein (p.Val338Met). The frequency data for this variant in the population databases is considered unreliable, as metrics indicate poor data quality at this position in the gnomAD database. This variant has not been reported in the literature in individuals affected with PROM1-related conditions. ClinVar contains an entry for this variant (Variation ID: 2072058). Invitae Evidence Modeling of protein sequence and biophysical properties (such as structural, functional, and spatial information, amino acid conservation, physicochemical variation, residue mobility, and thermodynamic stability) indicates that this missense variant is not expected to disrupt PROM1 protein function with a negative predictive value of 80%. In summary, the available evidence is currently insufficient to determine the role of this variant in disease. Therefore, it has been classified as a Variant of Uncertain Significance.

Blueprint Genetics
Classification: Uncertain significance. Last evaluated: 2024-10-08. Review status: criteria provided, single submitter. Criteria: ACMG Guidelines, 2015. Collection method: clinical testing. Allele origin: germline.

Ambry Genetics
Classification: Uncertain significance for Inborn genetic diseases. Last evaluated: 2023-05-18. Review status: criteria provided, single submitter. Criteria: Ambry Variant Classification Scheme 2023. Collection method: clinical testing. Allele origin: germline.

NM_006017.3(PROM1):c.1012G>A (p.Val338Met)

Gene: PROM1 (prominin 1; minus strand). Cytogenetic location: 4p15.32.
Variant type: single nucleotide variant.
Coding change: c.1012G>A on transcript NM_006017.3 (MANE Select); coding-DNA position 1012, G replaced by A.
Protein change: p.Val338Met; replaces valine 338 with methionine.
Molecular consequence: missense variant.
Genome position (GRCh38, 1-based): chr4:16,016,231, C>T on the plus strand (G>A on the coding strand, the complement: PROM1 is on the minus strand). VCF-style: chr4-16016231-C-T. GRCh37 (hg19) VCF-style: chr4-16017854-C-T.
Other names: c.985G>A, p.Val329Met (NM_001145847.2, NM_001145848.2, NM_001145851.2 and 4 more transcripts); c.1012G>A, p.Val338Met (NM_001145849.2, NM_001145850.2); c.1012G>A (NM_006017.2); short protein forms V338M, V329M.
Identifiers: ClinVar variation 2072058 (VCV002072058.7), dbSNP rs761733264, ClinGen allele CA2866888.